The following is an entry in ClinVar:

NM_000090.4(COL3A1):c.528+5G>C

Gene: COL3A1 (collagen type III alpha 1 chain; plus strand). Cytogenetic location: 2q32.2.
Variant type: single nucleotide variant.
Coding change: c.528+5G>C on transcript NM_000090.4 (MANE Select); 5 bases into the intron after coding-DNA position 528, G replaced by C.
Molecular consequence: intron variant.
Genome position (GRCh38, 1-based): chr2:188,987,144, G>C. VCF-style: chr2-188987144-G-C. GRCh37 (hg19) VCF-style: chr2-189851870-G-C.
Other names: NC_000002.11:g.189851870G>C.
Identifiers: ClinVar variation 199710 (VCV000199710.3), dbSNP rs794728038, ClinGen allele CA006907.

ClinVar aggregate classification (germline): Likely pathogenic (1 of 4 stars; one submission).

Submissions (2):

GeneDx
Classification: Likely pathogenic. Last evaluated: 2014-08-15. Review status: criteria provided, single submitter. Criteria: GeneDx Variant Classification (06012015). Collection method: clinical testing. Allele origin: germline. Affected: yes.
Comment: c.528+5 G>C: IVS5+5 G>C in intron 5 of the COL3A1 gene (NM_000090.3) The c.528+5 G>C variant that is likely pathogenic was identified in the COL3A1 gene. Although the c.528+5 G>C variant has not been reported as a disease-causing mutation or as a benign polymorphism to our knowledge, this variant destroys the canonical splice donor site in intron 5 and is predicted to cause abnormal gene splicing. The variant is predicted to lead to either an abnormal message that is subject to nonsense-mediated mRNA decay, or to an abnormal protein product if the message is used for protein translation. Other splice site mutations in the COL3A1 gene have been reported in association with EDS type IV. Additionally, the c.528+5 G>C variant was not observed in approximately 6,500 individuals of European and African American ancestry in the NHLBI Exome Sequencing Project, indicating it is not a common benign variant in these populations. Therefore, this variant is a strong candidate for a pathogenic mutation, however the possibility that it is a benign variant cannot be excluded. The variant is found in TAAD panel(s).

Dr. Peter K. Rogan Lab, Western University
No classification provided (evidence only). Condition: Ovarian serous cystadenocarcinoma. Review status: no classification provided. Collection method: in vitro. Allele origin: not applicable. Functional consequence: retained intron. Not counted in ClinVar's aggregate classification.